The following is an entry in ClinVar:

NM_001114753.3(ENG):c.360+5G>A

Gene: ENG (endoglin; minus strand). Cytogenetic location: 9q34.11.
Variant type: single nucleotide variant.
Coding change: c.360+5G>A on transcript NM_001114753.3 (MANE Select); 5 bases into the intron after coding-DNA position 360, G replaced by A.
Molecular consequence: intron variant.
Genome position (GRCh38, 1-based): chr9:127,829,682, C>T on the plus strand (G>A on the coding strand, the complement: ENG is on the minus strand). VCF-style: chr9-127829682-C-T. GRCh37 (hg19) VCF-style: chr9-130591961-C-T.
Other names: c.360+5G>A (NM_001114753.2, NM_001114753.1, NM_000118.4 and 1 more transcripts); c.-187+5G>A (NM_001278138.2).
Identifiers: ClinVar variation 810952 (VCV000810952.21), dbSNP rs1060501417, ClinGen allele CA915947187.

ClinVar aggregate classification (germline): Pathogenic/Likely pathogenic. Review status: criteria provided, multiple submitters, no conflicts (2 of 4 stars). 5 submissions from 5 submitters: Pathogenic (1); Likely pathogenic (4). Last evaluated 2024-04-12.

Conditions:
Hereditary hemorrhagic telangiectasia (HHT). Also called: ORW DISEASE; Osler Weber Rendu syndrome; OSLER-RENDU-WEBER DISEASE; Osler hemorrhagic telangiectasia syndrome. Identifiers: Orphanet 774, MedGen C0039445, MONDO:0019180. Disease mechanism: loss of function.
Telangiectasia, hereditary hemorrhagic, type 1 (HHT1). Also called: Osler Weber Rendu syndrome type 1; ENG-Related Hereditary Hemorrhagic Telangiectasia. Identifiers: Orphanet 774, MedGen C4551861, MONDO:0008535, OMIM 187300. Disease mechanism: loss of function.
Cardiovascular phenotype. Identifiers: MedGen CN230736.

Submissions (5):

Labcorp Genetics (formerly Invitae), Labcorp
Classification: Pathogenic for Hereditary hemorrhagic telangiectasia. Last evaluated: 2024-04-12. Review status: criteria provided, single submitter. Criteria: Invitae Variant Classification Sherloc (09022015). Collection method: clinical testing. Allele origin: germline.
Comment: This sequence change falls in intron 3 of the ENG gene. It does not directly change the encoded amino acid sequence of the ENG protein. It affects a nucleotide within the consensus splice site. This variant is not present in population databases (gnomAD no frequency). This variant has been observed in individual(s) with hereditary hemorrhagic telangiectasia (PMID: 15517393, 32573726; Invitae). ClinVar contains an entry for this variant (Variation ID: 810952). Variants that disrupt the consensus splice site are a relatively common cause of aberrant splicing (PMID: 17576681, 9536098). Algorithms developed to predict the effect of sequence changes on RNA splicing suggest that this variant may disrupt the consensus splice site. For these reasons, this variant has been classified as Pathogenic.

Mayo Clinic Laboratories, Mayo Clinic
Classification: Likely pathogenic. Last evaluated: 2022-02-02. Review status: criteria provided, single submitter. Criteria: ACMG Guidelines, 2015. Collection method: clinical testing. Allele origin: germline. Observed: 1 variant allele.
Comment: PP3, PM1, PM2, PS4_moderate

ARUP Laboratories, Molecular Genetics and Genomics, ARUP Laboratories
Classification: Likely pathogenic for Telangiectasia, hereditary hemorrhagic, type 1. Last evaluated: 2019-02-06. Review status: criteria provided, single submitter. Criteria: ARUP Molecular Germline Variant Investigation Process. Collection method: clinical testing. Allele origin: germline.
Comment: The ENG c.360+5G>A variant is reported in the literature in an individual with a clinical diagnosis of HHT (Letteboer 2005). In addition, other changes affecting this +5 position (c.360+4_7delAGTG, c.360+5G>C, c.360+5G>T), are also reported in individuals suspected to have HHT (Gedge 2007, Lux 2013). The c.360+5G>A variant is absent from general population databases (Exome Variant Server, Genome Aggregation Database), indicating it is not a common polymorphism. This is an intronic variant in a well conserved nucleotide, and computational analyses (Alamut v.2.11) predict that this variant impacts splicing by abolishing the nearby canonical donor splice site. Based on available information, the c.360+5G>A variant is considered to be likely pathogenic. REFERENCES Gedge F et al. Clinical and analytical sensitivities in hereditary hemorrhagic telangiectasia testing and a report of de novo mutations. J Mol Diagn. 2007 Apr;9(2):258-65. Letteboer TG et al. Hereditary hemorrhagic telangiectasia: ENG and ALK-1 mutations in Dutch patients. Hum Genet. 2005 Jan;116(1-2):8-16. Lux A et al. HHT diagnosis by Mid-infrared spectroscopy and artificial neural network analysis. Orphanet J Rare Dis. 2013 Jun 27;8:94.

NIHR Bioresource Rare Diseases, University of Cambridge
Classification: Likely pathogenic for Telangiectasia, hereditary hemorrhagic, type 1. Last evaluated: 2018-01-01. Review status: criteria provided, single submitter. Criteria: ACMG Guidelines, 2015. Collection method: research. Allele origin: unknown. Affected: yes. Observed: 1 variant allele.
Comment: PM2+PP3+PP4

Ambry Genetics
Classification: Likely pathogenic for Cardiovascular phenotype. Last evaluated: 2016-07-15. Review status: criteria provided, single submitter. Criteria: Ambry Variant Classification Scheme 2023. Collection method: clinical testing. Allele origin: germline.
Comment: The c.360+5G>A intronic variant results from a G to A substitution 5 nucleotides after coding exon 3 in the ENG gene. This variant has been reported in an individual with a clinical diagnosis of hereditary hemorrhagic telangiectasia (Letteboer TG et al. Hum. Genet., 2005 Jan;116:8-16). This variant was not reported in population based cohorts in the following databases: Database of Single Nucleotide Polymorphisms (dbSNP), NHLBI Exome Sequencing Project (ESP), and 1000 Genomes Project. In the ESP, this variant was not observed in 6503 samples (13006 alleles) with coverage at this position. This nucleotide position is highly conserved in available vertebrate species. Using two different splice site prediction tools, this alteration is predicted by BDGP to abolish the native splice donor site, but is predicted to weaken (but not abolish) the efficiency of the native splice donor site by ESEfinder; however, direct evidence is unavailable. Based on the majority of available evidence to date, this variant is likely to be pathogenic.

Literature cited by the submitters: PubMed 15517393 (cited by 3 submitters); PubMed 32573726 (cited by Labcorp Genetics (formerly Invitae), Labcorp and NIHR Bioresource Rare Diseases, University of Cambridge); PubMed 17576681 (cited by Labcorp Genetics (formerly Invitae), Labcorp); PubMed 9536098 (cited by Labcorp Genetics (formerly Invitae), Labcorp); PubMed 17384219 (cited by Mayo Clinic Laboratories, Mayo Clinic); PubMed 23805858 (cited by Mayo Clinic Laboratories, Mayo Clinic).